The following is an entry in ClinVar:

ClinVar aggregate classification (germline): Uncertain significance (1 of 4 stars; one submission).

Conditions:
Hereditary cancer-predisposing syndrome. Also called: Hereditary Cancer Syndrome; Hereditary neoplastic syndrome; Neoplastic Syndromes, Hereditary; Tumor predisposition. Identifiers: Orphanet 140162, MedGen C0027672, MeSH D009386, MONDO:0015356.

Submission:

Ambry Genetics
Classification: Uncertain significance for Hereditary cancer-predisposing syndrome. Last evaluated: 2022-08-02. Review status: criteria provided, single submitter. Criteria: Ambry Variant Classification Scheme 2023. Collection method: clinical testing. Allele origin: germline.
Comment: The p.R515M variant (also known as c.1544G>T), located in coding exon 4 of the MSH6 gene, results from a G to T substitution at nucleotide position 1544. The arginine at codon 515 is replaced by methionine, an amino acid with similar properties. This amino acid position is highly conserved in available vertebrate species. In addition, this alteration is predicted to be deleterious by in silico analysis. Since supporting evidence is limited at this time, the clinical significance of this alteration remains unclear.

NM_000179.3(MSH6):c.1544G>T (p.Arg515Met)

Gene: MSH6 (mutS homolog 6; plus strand). Cytogenetic location: 2p16.3.
Variant type: single nucleotide variant.
Coding change: c.1544G>T on transcript NM_000179.3 (MANE Select); coding-DNA position 1544, G replaced by T.
Protein change: p.Arg515Met; replaces arginine 515 with methionine.
Molecular consequence: missense variant.
Genome position (GRCh38, 1-based): chr2:47,799,527, G>T. VCF-style: chr2-47799527-G-T. GRCh37 (hg19) VCF-style: chr2-48026666-G-T.
Other names: c.1154G>T, p.Arg385Met (NM_001281492.2); c.638G>T, p.Arg213Met (NM_001281493.2, NM_001281494.2, NM_001406811.1 and 6 more transcripts); c.1640G>T, p.Arg547Met (NM_001406795.1, NM_001406802.1); c.1544G>T, p.Arg515Met (NM_001406796.1, NM_001406798.1, NM_001406800.1 and 4 more transcripts); c.1247G>T, p.Arg416Met (NM_001406797.1, NM_001406801.1, NM_001406805.1 and 10 more transcripts); c.1019G>T, p.Arg340Met (NM_001406799.1, NM_001406806.1, NM_001406807.1); c.1466G>T, p.Arg489Met (NM_001406804.1); c.1550G>T, p.Arg517Met (NM_001406813.1); and 1 more; short protein forms R340M, R489M, R547M, R385M, R213M, R416M, R459M, R517M.
Identifiers: ClinVar variation 1774907 (VCV001774907.2), dbSNP rs1669343421, ClinGen allele CA346746615.